The following is an entry in ClinVar:

ClinVar aggregate classification (germline): Conflicting classifications of pathogenicity. Review status: criteria provided, conflicting classifications (1 of 4 stars). 3 submissions from 3 submitters: Uncertain significance (2); Likely benign (1). Last evaluated 2025-05-16.

Conditions:
Hereditary breast ovarian cancer syndrome. Also called: Hereditary breast and ovarian cancer; Hereditary breast and ovarian cancer syndrome; Hereditary breast and/or ovarian cancer syndrome; BRCA1- and BRCA2-Associated Hereditary Breast and Ovarian Cancer; Hereditary breast and ovarian cancer syndrome (HBOC); Breast and ovarian cancer. Identifiers: Orphanet 145, MedGen C0677776, MeSH D061325, MONDO:0003582. Disease mechanism: loss of function.
Hereditary cancer-predisposing syndrome. Also called: Tumor predisposition; Hereditary neoplastic syndrome; Hereditary Cancer Syndrome; Neoplastic Syndromes, Hereditary. Identifiers: Orphanet 140162, MedGen C0027672, MeSH D009386, MONDO:0015356.

Allele frequency attached by ClinVar (database versions not stated): gnomAD 0.00001.
gnomAD v4.1: 1 of 1,613,912 alleles (0.000062%); highest among the groups gnomAD compares: Admixed American, 0.0017%; no homozygotes.

Submissions (3):

Ambry Genetics
Classification: Likely benign for Hereditary cancer-predisposing syndrome. Last evaluated: 2025-05-16. Review status: criteria provided, single submitter. Criteria: Ambry Variant Classification Scheme 2023. Collection method: clinical testing. Allele origin: germline.

Color Diagnostics, LLC DBA Color Health
Classification: Uncertain significance for Hereditary cancer-predisposing syndrome. Last evaluated: 2024-03-06. Review status: criteria provided, single submitter. Criteria: ACMG Guidelines, 2015. Collection method: clinical testing. Allele origin: germline.
Comment: This missense variant replaces cysteine with tyrosine at codon 3173 of the BRCA2 protein. Computational prediction is inconclusive regarding the impact of this variant on protein structure and function (internally defined REVEL score threshold 0.5 < inconclusive < 0.7, PMID: 27666373). To our knowledge, functional studies have not been reported for this variant. This variant has not been reported in individuals affected with hereditary cancer in the literature. This variant has not been identified in the general population by the Genome Aggregation Database (gnomAD). The available evidence is insufficient to determine the role of this variant in disease conclusively. Therefore, this variant is classified as a Variant of Uncertain Significance.

Labcorp Genetics (formerly Invitae), Labcorp
Classification: Uncertain significance for Hereditary breast ovarian cancer syndrome. Last evaluated: 2023-03-16. Review status: criteria provided, single submitter. Criteria: Invitae Variant Classification Sherloc (09022015). Collection method: clinical testing. Allele origin: germline.
Comment: In summary, the available evidence is currently insufficient to determine the role of this variant in disease. Therefore, it has been classified as a Variant of Uncertain Significance. Advanced modeling of protein sequence and biophysical properties (such as structural, functional, and spatial information, amino acid conservation, physicochemical variation, residue mobility, and thermodynamic stability) performed at Invitae indicates that this missense variant is not expected to disrupt BRCA2 protein function. ClinVar contains an entry for this variant (Variation ID: 1172311). This variant has not been reported in the literature in individuals affected with BRCA2-related conditions. This variant is not present in population databases (gnomAD no frequency). This sequence change replaces cysteine, which is neutral and slightly polar, with tyrosine, which is neutral and polar, at codon 3173 of the BRCA2 protein (p.Cys3173Tyr).

NM_000059.4(BRCA2):c.9518G>A (p.Cys3173Tyr)

Gene: BRCA2 (BRCA2 DNA repair associated; plus strand). Cytogenetic location: 13q13.1.
Variant type: single nucleotide variant.
Coding change: c.9518G>A on transcript NM_000059.4 (MANE Select); coding-DNA position 9518, G replaced by A.
Protein change: p.Cys3173Tyr; replaces cysteine 3173 with tyrosine.
Molecular consequence: missense variant.
Genome position (GRCh38, 1-based): chr13:32,396,914, G>A. VCF-style: chr13-32396914-G-A. GRCh37 (hg19) VCF-style: chr13-32971051-G-A.
Other names: short protein forms C3173Y.
Identifiers: ClinVar variation 1172311 (VCV001172311.9), dbSNP rs2073040056, ClinGen allele CA387762932.